The following is an entry in ClinVar:

NM_172107.4(KCNQ2):c.439G>C (p.Ala147Pro)

Gene: KCNQ2 (potassium voltage-gated channel subfamily Q member 2; minus strand). Cytogenetic location: 20q13.33.
Variant type: single nucleotide variant.
Coding change: c.439G>C on transcript NM_172107.4 (MANE Select); coding-DNA position 439, G replaced by C.
Protein change: p.Ala147Pro; replaces alanine 147 with proline.
Molecular consequence: missense variant.
Genome position (GRCh38, 1-based): chr20:63,445,313, C>G on the plus strand (G>C on the coding strand, the complement: KCNQ2 is on the minus strand). VCF-style: chr20-63445313-C-G. GRCh37 (hg19) VCF-style: chr20-62076666-C-G.
Other names: c.439G>C, p.Ala147Pro (NM_004518.6, NM_172106.3, NM_172108.5 and 1 more transcripts); short protein forms A147P.
Identifiers: ClinVar variation 590026 (VCV000590026.6), dbSNP rs1568941739, ClinGen allele CA409655415.

ClinVar aggregate classification (germline): Uncertain significance. Review status: criteria provided, multiple submitters, no conflicts (2 of 4 stars). 2 submissions from 2 submitters: Uncertain significance (2). Last evaluated 2026-01-13.

Conditions:
Early-infantile DEE. Also called: Ohtahara syndrome; Early infantile epileptic encephalopathy with suppression bursts; Early infantile epileptic encephalopathy. Identifiers: Orphanet 1934, MedGen C0393706, MONDO:0800491.
Inborn genetic diseases. Identifiers: MedGen C0950123, MeSH D030342.

Submissions (2):

Labcorp Genetics (formerly Invitae), Labcorp
Classification: Uncertain significance for Early-infantile DEE. Last evaluated: 2026-01-13. Review status: criteria provided, single submitter. Criteria: Invitae Variant Classification Sherloc (09022015). Collection method: clinical testing. Allele origin: germline.
Comment: This sequence change replaces alanine, which is neutral and non-polar, with proline, which is neutral and non-polar, at codon 147 of the KCNQ2 protein (p.Ala147Pro). This variant is not present in population databases (gnomAD no frequency). This variant has not been reported in the literature in individuals affected with KCNQ2-related conditions. ClinVar contains an entry for this variant (Variation ID: 590026). Invitae Evidence Modeling of protein sequence and biophysical properties (such as structural, functional, and spatial information, amino acid conservation, physicochemical variation, residue mobility, and thermodynamic stability) indicates that this missense variant is expected to disrupt KCNQ2 protein function with a positive predictive value of 95%. In summary, the available evidence is currently insufficient to determine the role of this variant in disease. Therefore, it has been classified as a Variant of Uncertain Significance.

Ambry Genetics
Classification: Uncertain significance for Inborn genetic diseases. Last evaluated: 2017-01-30. Review status: criteria provided, single submitter. Criteria: Ambry Variant Classification Scheme 2023. Collection method: clinical testing. Allele origin: germline.
Comment: The p.A147P variant (also known as c.439G>C), located in coding exon 3 of the KCNQ2 gene, results from a G to C substitution at nucleotide position 439. The alanine at codon 147 is replaced by proline, an amino acid with highly similar properties. This amino acid position is well conserved in available vertebrate species. In addition, this alteration is predicted to be deleterious by in silico analysis. Since supporting evidence is limited at this time, the clinical significance of this alteration remains unclear.